The following is an entry in ClinVar:

NM_001184880.2(PCDH19):c.2671A>C (p.Lys891Gln)

Gene: PCDH19 (protocadherin 19; minus strand). Cytogenetic location: Xq22.1.
Variant type: single nucleotide variant.
Coding change: c.2671A>C on transcript NM_001184880.2 (MANE Select); coding-DNA position 2671, A replaced by C.
Protein change: p.Lys891Gln; replaces lysine 891 with glutamine.
Molecular consequence: missense variant.
Genome position (GRCh38, 1-based): chrX:100,350,650, T>G on the plus strand (A>C on the coding strand, the complement: PCDH19 is on the minus strand). VCF-style: chrX-100350650-T-G. GRCh37 (hg19) VCF-style: chrX-99605648-T-G.
Other names: c.2530A>C, p.Lys844Gln (NM_001105243.2, NM_020766.3); short protein forms K844Q, K891Q.
Identifiers: ClinVar variation 650048 (VCV000650048.9), dbSNP rs1602600456, ClinGen allele CA414001031.

ClinVar aggregate classification (germline): Uncertain significance (1 of 4 stars; one submission).

Conditions:
Developmental and epileptic encephalopathy, 9 (DEE9). Also called: Early infantile epileptic encephalopathy 9; PCDH19-Related X-Linked Female-Limited Epilepsy with Mental Retardation; EPILEPSY, FEMALE-RESTRICTED, WITH MENTAL RETARDATION; JUBERG-HELLMAN SYNDROME. Identifiers: Orphanet 101039, Orphanet 2076, MedGen C1848137, MONDO:0010246, OMIM 300088. Disease mechanism: loss of function.

Submission:

Labcorp Genetics (formerly Invitae), Labcorp
Classification: Uncertain significance for Developmental and epileptic encephalopathy, 9. Last evaluated: 2018-07-02. Review status: criteria provided, single submitter. Criteria: Invitae Variant Classification Sherloc (09022015). Collection method: clinical testing. Allele origin: germline.
Comment: This variant is not present in population databases (ExAC no frequency). This sequence change replaces lysine with glutamine at codon 891 of the PCDH19 protein (p.Lys891Gln). The lysine residue is highly conserved and there is a small physicochemical difference between lysine and glutamine. In summary, the available evidence is currently insufficient to determine the role of this variant in disease. Therefore, it has been classified as a Variant of Uncertain Significance. Algorithms developed to predict the effect of missense changes on protein structure and function are either unavailable or do not agree on the potential impact of this missense change (SIFT: "Deleterious"; PolyPhen-2: "Benign"; Align-GVGD: "Class C0"). This variant has not been reported in the literature in individuals with PCDH19-related disease.